The following is an entry in ClinVar:

ClinVar aggregate classification (germline): Uncertain significance (1 of 4 stars; one submission).

Allele frequency attached by ClinVar (database versions not stated): TOPMed below 0.00001.
gnomAD v4.1: 8 of 1,604,134 alleles (0.0005%); highest among the groups gnomAD compares: Non-Finnish European, 0.00068%; no homozygotes.

Submission:

Labcorp Genetics (formerly Invitae), Labcorp
Classification: Uncertain significance. Last evaluated: 2022-03-15. Review status: criteria provided, single submitter. Criteria: Invitae Variant Classification Sherloc (09022015). Collection method: clinical testing. Allele origin: germline.
Comment: This sequence change replaces arginine, which is basic and polar, with tryptophan, which is neutral and slightly polar, at codon 720 of the BICC1 protein (p.Arg720Trp). This variant is not present in population databases (gnomAD no frequency). This variant has not been reported in the literature in individuals affected with BICC1-related conditions. Algorithms developed to predict the effect of missense changes on protein structure and function are either unavailable or do not agree on the potential impact of this missense change (SIFT: "Deleterious"; PolyPhen-2: "Benign"; Align-GVGD: "Class C0"). In summary, the available evidence is currently insufficient to determine the role of this variant in disease. Therefore, it has been classified as a Variant of Uncertain Significance.

NM_001080512.3(BICC1):c.2158C>T (p.Arg720Trp)

Gene: BICC1 (BicC family RNA binding protein 1; plus strand). Cytogenetic location: 10q21.1.
Variant type: single nucleotide variant.
Coding change: c.2158C>T on transcript NM_001080512.3 (MANE Select); coding-DNA position 2158, C replaced by T.
Protein change: p.Arg720Trp; replaces arginine 720 with tryptophan.
Molecular consequence: missense variant.
Genome position (GRCh38, 1-based): chr10:58,803,219, C>T. VCF-style: chr10-58803219-C-T. GRCh37 (hg19) VCF-style: chr10-60562979-C-T.
Other names: short protein forms R720W.
Identifiers: ClinVar variation 1937848 (VCV001937848.5), dbSNP rs1188162764, ClinGen allele CA376977682.
Genomic context (GRCh38, chr10:58,803,219, plus strand): 5'-CGCGCTGCAGAGAGGGCAGCAGCTGCCCAGCAAAACTCCGAAAGGGCCCACCTTGCTCCA[C>T]GGTCATCATATGTCAACATGCAGGTAATGGTAATAAAATAGGAAAGCCACTCAAATGTCA-3'
Protein context (NP_001073981.1, residues 710-730): QNSERAHLAP[Arg720Trp]SSYVNMQAFD